The following is an entry in ClinVar:

ClinVar aggregate classification (germline): Uncertain significance (1 of 4 stars; one submission).

Allele frequency attached by ClinVar (database versions not stated): gnomAD exomes below 0.00001; TOPMed 0.00001; gnomAD 0.00002.
gnomAD v4.1: 5 of 1,613,776 alleles (0.00031%); highest among the groups gnomAD compares: African/African-American, 0.0067%; no homozygotes.

Submission:

Labcorp Genetics (formerly Invitae), Labcorp
Classification: Uncertain significance. Last evaluated: 2025-02-09. Review status: criteria provided, single submitter. Criteria: Invitae Variant Classification Sherloc (09022015). Collection method: clinical testing. Allele origin: germline.
Comment: This sequence change replaces glutamic acid, which is acidic and polar, with glycine, which is neutral and non-polar, at codon 2888 of the VCAN protein (p.Glu2888Gly). This variant is present in population databases (no rsID available, gnomAD 0.007%). This variant has not been reported in the literature in individuals affected with VCAN-related conditions. ClinVar contains an entry for this variant (Variation ID: 950809). An algorithm developed to predict the effect of missense changes on protein structure and function outputs the following: PolyPhen-2: "Benign". The glycine amino acid residue is found in multiple mammalian species, which suggests that this missense change does not adversely affect protein function. In summary, the available evidence is currently insufficient to determine the role of this variant in disease. Therefore, it has been classified as a Variant of Uncertain Significance.

NM_004385.5(VCAN):c.8663A>G (p.Glu2888Gly)

Genes: VCAN (versican; plus strand), VCAN-AS1 (VCAN antisense RNA 1; minus strand). Cytogenetic location: 5q14.3.
Variant type: single nucleotide variant.
Coding change: c.8663A>G on transcript NM_004385.5 (MANE Select); coding-DNA position 8663, A replaced by G.
Protein change: p.Glu2888Gly; replaces glutamic acid 2888 with glycine.
Molecular consequence: missense variant. On other transcripts: intron variant (2).
Genome position (GRCh38, 1-based): chr5:83,541,666, A>G. VCF-style: chr5-83541666-A-G. GRCh37 (hg19) VCF-style: chr5-82837485-A-G.
Other names: c.5702A>G, p.Glu1901Gly (NM_001164097.2); c.4004-3871A>G (NM_001164098.2); c.1043-3871A>G (NM_001126336.3); short protein forms E1901G, E2888G.
Identifiers: ClinVar variation 950809 (VCV000950809.9), dbSNP rs1029661575, ClinGen allele CA121776840.